The following is an entry in ClinVar:

NM_001042492.3(NF1):c.7880dup (p.Tyr2629fs)

Gene: NF1 (neurofibromin 1; plus strand). Cytogenetic location: 17q11.2.
Variant type: Duplication.
Coding change: c.7880dup on transcript NM_001042492.3 (MANE Select); coding-DNA position 7880, one base duplicated (T; older notation c.7880dupT).
Protein change: p.Tyr2629fs; shifts the reading frame from tyrosine 2629.
Molecular consequence: frameshift variant.
Genome position (GRCh38, 1-based): chr17:31,357,279, T duplicated. VCF-style (leftmost placement, unchanged base first): chr17-31357278-G-GT. GRCh37 (hg19) VCF-style: chr17-29684296-G-GT.
Other names: c.7817dupT (NM_000267.3); c.7817dup, p.Tyr2608Ilefs (NM_000267.4); short protein forms Y2608fs, Y2629fs.
Identifiers: ClinVar variation 1760753 (VCV001760753.2), dbSNP rs2508829785, ClinGen allele CA2580093467.

ClinVar aggregate classification (germline): Pathogenic (1 of 4 stars; one submission).

Conditions:
Hereditary cancer-predisposing syndrome. Also called: Neoplastic Syndromes, Hereditary; Tumor predisposition; Hereditary Cancer Syndrome; Hereditary neoplastic syndrome. Identifiers: Orphanet 140162, MedGen C0027672, MeSH D009386, MONDO:0015356.
Cardiovascular phenotype. Identifiers: MedGen CN230736.

Submission:

Ambry Genetics
Classification: Pathogenic for Cardiovascular phenotype; Hereditary cancer-predisposing syndrome. Last evaluated: 2016-10-28. Review status: criteria provided, single submitter. Criteria: Ambry Variant Classification Scheme 2023. Collection method: clinical testing. Allele origin: germline.
Comment: The c.7817dupT pathogenic mutation, located in coding exon 53 of the NF1 gene, results from a duplication of T at nucleotide position 7817, causing a translational frameshift with a predicted alternate stop codon. This alteration is expected to result in loss of function by premature protein truncation or nonsense-mediated mRNA decay. As such, this alteration is interpreted as a disease-causing mutation.